The following is an entry in ClinVar:

NM_182961.4(SYNE1):c.12006T>G (p.Leu4002=)

Gene: SYNE1 (spectrin repeat containing nuclear envelope protein 1; minus strand). Cytogenetic location: 6q25.2.
Variant type: single nucleotide variant.
Coding change: c.12006T>G on transcript NM_182961.4 (MANE Select); coding-DNA position 12006, T replaced by G.
Protein change: p.Leu4002=; no amino-acid change (leucine 4002 retained).
Molecular consequence: synonymous variant.
Genome position (GRCh38, 1-based): chr6:152,347,131, A>C on the plus strand (T>G on the coding strand, the complement: SYNE1 is on the minus strand). VCF-style: chr6-152347131-A-C. GRCh37 (hg19) VCF-style: chr6-152668266-A-C.
Other names: c.11793T>G, p.Leu3931= (NM_033071.5).
Identifiers: ClinVar variation 706243 (VCV000706243.10), dbSNP rs143529882, ClinGen allele CA4056533.

ClinVar aggregate classification (germline): Likely benign. Review status: criteria provided, single submitter (1 of 4 stars). 2 submissions from 2 submitters: Likely benign (1). 1 of the submissions does not count toward it. Last evaluated 2025-12-10.

Conditions:
Autosomal recessive ataxia, Beauce type. Also called: Spinocerebellar ataxia, autosomal recessive 8; SYNE1 Deficiency; SYNE1-Related Autosomal Recessive Cerebellar Ataxia; ATAXIA, RECESSIVE, OF BEAUCE. Identifiers: Orphanet 88644, MedGen C1853116, MONDO:0012549, OMIM 610743.
Emery-Dreifuss muscular dystrophy 4, autosomal dominant (EDMD4). Also called: EMERY-DREIFUSS MUSCULAR DYSTROPHY 4 WITH VARIABLE FEATURES. Identifiers: Orphanet 261, MedGen C2751807, MONDO:0013071, OMIM 612998.
SYNE1-related disorder. Also called: SYNE1-related disorders; SYNE1-related disease; SYNE1-related condition.

Allele frequency attached by ClinVar (database versions not stated): gnomAD exomes 0.00002 and 0.00005; ExAC 0.00004; ESP Exome Variant Server 0.00015; TOPMed 0.00018; gnomAD 0.00021.
gnomAD v4.1: 55 of 1,614,068 alleles (0.0034%); highest among the groups gnomAD compares: African/African-American, 0.067%; no homozygotes.

Submissions (2):

Labcorp Genetics (formerly Invitae), Labcorp
Classification: Likely benign for Emery-Dreifuss muscular dystrophy 4, autosomal dominant; Autosomal recessive ataxia, Beauce type. Last evaluated: 2025-12-10. Review status: criteria provided, single submitter. Criteria: Invitae Variant Classification Sherloc (09022015). Collection method: clinical testing. Allele origin: germline.

PreventionGenetics, part of Exact Sciences
Classification: Likely benign for SYNE1-related condition. Last evaluated: 2019-08-27. Review status: no assertion criteria provided. Collection method: clinical testing. Allele origin: germline. Not counted in ClinVar's aggregate classification.
Comment: This variant is classified as likely benign based on ACMG/AMP sequence variant interpretation guidelines (Richards et al. 2015 PMID: 25741868, with internal and published modifications).